The following is an entry in ClinVar:

NM_014014.5(SNRNP200):c.2310G>A (p.Lys770=)

Gene: SNRNP200 (small nuclear ribonucleoprotein U5 subunit 200; minus strand). Cytogenetic location: 2q11.2.
Variant type: single nucleotide variant.
Coding change: c.2310G>A on transcript NM_014014.5 (MANE Select); coding-DNA position 2310, G replaced by A.
Protein change: p.Lys770=; no amino-acid change (lysine 770 retained).
Molecular consequence: synonymous variant.
Genome position (GRCh38, 1-based): chr2:96,291,751, C>T on the plus strand (G>A on the coding strand, the complement: SNRNP200 is on the minus strand). VCF-style: chr2-96291751-C-T. GRCh37 (hg19) VCF-style: chr2-96957489-C-T.
Identifiers: ClinVar variation 1461925 (VCV001461925.6), dbSNP rs2104350621, ClinGen allele CA427499675.

ClinVar aggregate classification (germline): Uncertain significance (1 of 4 stars; one submission).

Submission:

Labcorp Genetics (formerly Invitae), Labcorp
Classification: Uncertain significance. Last evaluated: 2023-08-02. Review status: criteria provided, single submitter. Criteria: Invitae Variant Classification Sherloc (09022015). Collection method: clinical testing. Allele origin: germline.
Comment: This variant has not been reported in the literature in individuals affected with SNRNP200-related conditions. ClinVar contains an entry for this variant (Variation ID: 1461925). Variants that disrupt the consensus splice site are a relatively common cause of aberrant splicing (PMID: 17576681, 9536098). Algorithms developed to predict the effect of sequence changes on RNA splicing suggest that this variant may create or strengthen a splice site. This sequence change affects codon 770 of the SNRNP200 mRNA. It is a 'silent' change, meaning that it does not change the encoded amino acid sequence of the SNRNP200 protein. This variant also falls at the last nucleotide of exon 17, which is part of the consensus splice site for this exon. This variant is not present in population databases (gnomAD no frequency). In summary, the available evidence is currently insufficient to determine the role of this variant in disease. Therefore, it has been classified as a Variant of Uncertain Significance.

Literature cited by the submitters: PubMed 17576681; PubMed 9536098.